The following is an entry in ClinVar:

ClinVar aggregate classification (germline): Uncertain significance. Review status: criteria provided, multiple submitters, no conflicts (2 of 4 stars). 3 submissions from 3 submitters: Uncertain significance (3). Last evaluated 2025-12-14.

Conditions:
Hereditary cancer-predisposing syndrome. Also called: Hereditary Cancer Syndrome; Hereditary neoplastic syndrome; Neoplastic Syndromes, Hereditary; Tumor predisposition. Identifiers: Orphanet 140162, MedGen C0027672, MeSH D009386, MONDO:0015356.
Retinoblastoma (RB1). Also called: RETINOBLASTOMA, SOMATIC. Identifiers: Orphanet 790, MedGen C0035335, MeSH D012175, MONDO:0008380, OMIM 180200, HP:0009919. Disease mechanism: loss of function. Inheritance: Both sporadic and heritable forms are tested..

Allele frequency attached by ClinVar (database versions not stated): gnomAD exomes below 0.00001.

Submissions (3):

Labcorp Genetics (formerly Invitae), Labcorp
Classification: Uncertain significance for Retinoblastoma. Last evaluated: 2025-12-14. Review status: criteria provided, single submitter. Criteria: Invitae Variant Classification Sherloc (09022015). Collection method: clinical testing. Allele origin: germline.
Comment: This sequence change replaces proline, which is neutral and non-polar, with serine, which is neutral and polar, at codon 27 of the RB1 protein (p.Pro27Ser). This variant is not present in population databases (gnomAD no frequency). This variant has not been reported in the literature in individuals affected with RB1-related conditions. ClinVar contains an entry for this variant (Variation ID: 1064254). An algorithm developed to predict the effect of missense changes on protein structure and function outputs the following: PolyPhen-2: "Not Available". The serine amino acid residue is found in multiple mammalian species, which suggests that this missense change does not adversely affect protein function. In summary, the available evidence is currently insufficient to determine the role of this variant in disease. Therefore, it has been classified as a Variant of Uncertain Significance.

Ambry Genetics
Classification: Uncertain significance for Hereditary cancer-predisposing syndrome. Last evaluated: 2024-05-24. Review status: criteria provided, single submitter. Criteria: Ambry Variant Classification Scheme 2023. Collection method: clinical testing. Allele origin: germline.
Comment: The p.P27S variant (also known as c.79C>T), located in coding exon 1 of the RB1 gene, results from a C to T substitution at nucleotide position 79. The proline at codon 27 is replaced by serine, an amino acid with similar properties. This amino acid position is well conserved in available vertebrate species. In addition, the in silico prediction for this alteration is inconclusive. Since supporting evidence is limited at this time, the clinical significance of this alteration remains unclear.

All of Us Research Program, National Institutes of Health
Classification: Uncertain significance for Retinoblastoma. Last evaluated: 2023-06-26. Review status: criteria provided, single submitter. Criteria: ACMG Guidelines, 2015. Collection method: clinical testing. Allele origin: germline. Inheritance: Autosomal dominant inheritance. Observed: 1 variant allele, 1 heterozygote.
Comment: This missense variant replaces proline with serine at codon 27 of the RB1 protein. Computational prediction suggests that this variant may not impact protein structure and function (internally defined REVEL score threshold <= 0.5, PMID: 27666373). To our knowledge, functional studies have not been reported for this variant. This variant has not been reported in individuals affected with RB1-related disorders in the literature. This variant has not been identified in the general population by the Genome Aggregation Database (gnomAD). The available evidence is insufficient to determine the role of this variant in disease conclusively. Therefore, this variant is classified as a Variant of Uncertain Significance.

This study involves interpretation of variants in research participants for the purpose of population health screening. Participant phenotype was not available at the time of variant classification. Additional details can be found in publication PMID: 35346344, PMCID: PMC8962531

NM_000321.3(RB1):c.79C>T (p.Pro27Ser)

Gene: RB1 (RB transcriptional corepressor 1; plus strand). Cytogenetic location: 13q14.2.
Variant type: single nucleotide variant.
Coding change: c.79C>T on transcript NM_000321.3 (MANE Select); coding-DNA position 79, C replaced by T.
Protein change: p.Pro27Ser; replaces proline 27 with serine.
Molecular consequence: missense variant.
Genome position (GRCh38, 1-based): chr13:48,303,991, C>T. VCF-style: chr13-48303991-C-T. GRCh37 (hg19) VCF-style: chr13-48878127-C-T.
Other names: short protein forms P27S.
Identifiers: ClinVar variation 1064254 (VCV001064254.13), dbSNP rs1309325353, ClinGen allele CA388250282.